The following is an entry in ClinVar:

NM_021969.3(NR0B2):c.576G>A (p.Gln192=)

Genes: NR0B2 (nuclear receptor subfamily 0 group B member 2; minus strand), NUDC (nuclear distribution C, dynein complex regulator; plus strand). Cytogenetic location: 1p36.11.
Variant type: single nucleotide variant.
Coding change: c.576G>A on transcript NM_021969.3 (MANE Select); coding-DNA position 576, G replaced by A.
Protein change: p.Gln192=; no amino-acid change (glutamine 192 retained).
Molecular consequence: synonymous variant.
Genome position (GRCh38, 1-based): chr1:26,912,043, C>T on the plus strand (G>A on the coding strand, the complement: NR0B2 is on the minus strand). VCF-style: chr1-26912043-C-T. GRCh37 (hg19) VCF-style: chr1-27238534-C-T.
Identifiers: ClinVar variation 4981948 (VCV004981948.1).

ClinVar aggregate classification (germline): Likely benign (1 of 4 stars; one submission).

Conditions:
NR0B2-related disorder. Also called: NR0B2-related condition.

gnomAD v4.1: 2 of 1,614,030 alleles (0.00012%); highest among the groups gnomAD compares: Non-Finnish European, 0.00017%; no homozygotes.

Submission:

PreventionGenetics, part of Exact Sciences
Classification: Likely benign for NR0B2-related condition. Last evaluated: 2025-03-20. Review status: criteria provided, single submitter. Criteria: ACMG Guidelines, 2015. Collection method: clinical testing. Allele origin: germline.
Comment: This variant is classified as likely benign based on ACMG/AMP sequence variant interpretation guidelines (Richards et al. 2015 PMID: 25741868, with internal and published modifications).